The following is an entry in ClinVar:

NM_020631.6(PLEKHG5):c.796-4C>T

Gene: PLEKHG5 (pleckstrin homology and RhoGEF domain containing G5; minus strand). Cytogenetic location: 1p36.31.
Variant type: single nucleotide variant.
Coding change: c.796-4C>T on transcript NM_020631.6 (MANE Select); 4 bases into the intron before coding-DNA position 796, C replaced by T.
Molecular consequence: intron variant.
Genome position (GRCh38, 1-based): chr1:6,473,178, G>A on the plus strand (C>T on the coding strand, the complement: PLEKHG5 is on the minus strand). VCF-style: chr1-6473178-G-A. GRCh37 (hg19) VCF-style: chr1-6533238-G-A.
Other names: c.796-4C>T (NM_198681.4, NM_001265594.3, NM_001042664.2 and 1 more transcripts); c.907-4C>T (NM_001042663.3, NM_001265592.2); c.1003-4C>T (NM_001265593.2).
Identifiers: ClinVar variation 1559995 (VCV001559995.10), dbSNP rs1315270235, ClinGen allele CA737853028.

ClinVar aggregate classification (germline): Conflicting classifications of pathogenicity. Review status: criteria provided, conflicting classifications (1 of 4 stars). 2 submissions from 2 submitters: Uncertain significance (1); Likely benign (1). Last evaluated 2025-08-12.

Conditions:
Neuronopathy, distal hereditary motor, autosomal recessive 4. Also called: Autosomal recessive lower motor neuron disease with childhood onset; NEUROPATHY, DISTAL HEREDITARY MOTOR, AUTOSOMAL RECESSIVE 4. Identifiers: Orphanet 206580, MedGen C1970211, MONDO:0012608, OMIM 611067.
Charcot-Marie-Tooth disease recessive intermediate C. Also called: CHARCOT-MARIE-TOOTH NEUROPATHY, RECESSIVE INTERMEDIATE C. Identifiers: Orphanet 369867, MedGen C3809309, MONDO:0014154, OMIM 615376.
Inborn genetic diseases. Identifiers: MedGen C0950123, MeSH D030342.

Allele frequency attached by ClinVar (database versions not stated): gnomAD 0.00002; gnomAD exomes 0.00002; TOPMed 0.00002.
gnomAD v4.1: 35 of 1,613,580 alleles (0.0022%); highest among the groups gnomAD compares: Non-Finnish European, 0.0027%; no homozygotes.

Submissions (2):

Labcorp Genetics (formerly Invitae), Labcorp
Classification: Likely benign for Neuronopathy, distal hereditary motor, autosomal recessive 4; Charcot-Marie-Tooth disease recessive intermediate C. Last evaluated: 2025-08-12. Review status: criteria provided, single submitter. Criteria: Invitae Variant Classification Sherloc (09022015). Collection method: clinical testing. Allele origin: germline.

Ambry Genetics
Classification: Uncertain significance for Inborn genetic diseases. Last evaluated: 2020-07-06. Review status: criteria provided, single submitter. Criteria: Ambry Variant Classification Scheme 2023. Collection method: clinical testing. Allele origin: germline.
Comment: The c.796-4C>T intronic variant results from a C to T substitution 4 nucleotides upstream from coding exon 8 in the PLEKHG5 gene. This nucleotide position is not well conserved in available vertebrate species. Using the BDGP and ESEfinder splice site prediction tools, this alteration is not predicted to have any significant effect on this splice acceptor/donor site; however, direct evidence is unavailable. Since supporting evidence is limited at this time, the clinical significance of this alteration remains unclear.